The following is an entry in ClinVar:

ClinVar aggregate classification (germline): Uncertain significance. Review status: no assertion criteria provided (0 of 4 stars). 2 submissions from 2 submitters: Uncertain significance (2). Last evaluated 2024-03-13.

Conditions:
SEMA3D-related disorder. Also called: SEMA3D-related condition.
Hirschsprung disease, susceptibility to, 1 (HSCR1). Also called: RET-Related Hirschsprung Disease. Identifiers: Orphanet 388, MedGen C3888239, MONDO:0007723, OMIM 142623.

Allele frequency attached by ClinVar (database versions not stated): ExAC 0.00002; gnomAD exomes 0.00004; gnomAD 0.00010 and 0.00011; 1000 Genomes Project 0.00020; TOPMed 0.00026; 1000 Genomes Project 30x 0.00031.
gnomAD v4.1: 80 of 1,612,430 alleles (0.005%); highest among the groups gnomAD compares: Admixed American, 0.048%; 1 homozygote.

Submissions (2):

PreventionGenetics, part of Exact Sciences
Classification: Uncertain significance for SEMA3D-related condition. Last evaluated: 2024-03-13. Review status: no assertion criteria provided. Collection method: clinical testing. Allele origin: germline.
Comment: The SEMA3D c.592G>A variant is predicted to result in the amino acid substitution p.Glu198Lys. This variant has been reported in the heterozygous state in a patient with Hirschsprung disease, although evidence of pathogenicity was not presented (Luzón-Toro et al. 2013. PubMed ID: 23372769; Luzón-Toro et al. 2015. PubMed ID: 26559152). This variant is reported in 0.020% of alleles in individuals of Latino descent in gnomAD. At this time, the clinical significance of this variant is uncertain due to the absence of conclusive functional and genetic evidence.

Department of Genetics, Reproduction and Fetal Medicine., Institute of Biomedicine of Seville (IBIS), University Hospital Virgen del Rocío/CSIC/University of Seville.
Classification: Uncertain significance for Hirschsprung disease 1. Last evaluated: 2015-04-01. Review status: no assertion criteria provided. Collection method: research. Allele origin: germline. Affected: yes.

NM_001384900.1(SEMA3D):c.592G>A (p.Glu198Lys)

Gene: SEMA3D (semaphorin 3D; minus strand). Cytogenetic location: 7q21.11.
Variant type: single nucleotide variant.
Coding change: c.592G>A on transcript NM_001384900.1 (MANE Select); coding-DNA position 592, G replaced by A.
Protein change: p.Glu198Lys; replaces glutamic acid 198 with lysine.
Molecular consequence: missense variant.
Genome position (GRCh38, 1-based): chr7:85,065,550, C>T on the plus strand (G>A on the coding strand, the complement: SEMA3D is on the minus strand). VCF-style: chr7-85065550-C-T. GRCh37 (hg19) VCF-style: chr7-84694866-C-T.
Other names: c.592G>A, p.Glu198Lys (NM_001384901.1, NM_001384902.1, NM_001384903.1 and 1 more transcripts); c.592G>A (NM_152754.2); short protein forms E198K.
Identifiers: ClinVar variation 190256 (VCV000190256.2), dbSNP rs549337695, ClinGen allele CA277648.